The following is an entry in ClinVar:

ClinVar aggregate classification (germline): Uncertain significance (1 of 4 stars; one submission).

Conditions:
RASopathy. Also called: rasopathies; Noonan spectrum disorder. Identifiers: Orphanet 536391, MedGen C5555857, MONDO:0021060.

Allele frequency attached by ClinVar (database versions not stated): gnomAD exomes below 0.00001.
gnomAD v4.1: 1 of 1,613,910 alleles (0.000062%); highest among the groups gnomAD compares: East Asian, 0.0022%; no homozygotes.

Submission:

Labcorp Genetics (formerly Invitae), Labcorp
Classification: Uncertain significance for RASopathy. Last evaluated: 2023-08-10. Review status: criteria provided, single submitter. Criteria: Invitae Variant Classification Sherloc (09022015). Collection method: clinical testing. Allele origin: germline.
Comment: This sequence change falls in intron 8 of the MAP2K1 gene. It does not directly change the encoded amino acid sequence of the MAP2K1 protein. It affects a nucleotide within the consensus splice site. This variant is not present in population databases (gnomAD no frequency). In summary, the available evidence is currently insufficient to determine the role of this variant in disease. Therefore, it has been classified as a Variant of Uncertain Significance. Variants that disrupt the consensus splice site are a relatively common cause of aberrant splicing (PMID: 17576681, 9536098). Algorithms developed to predict the effect of sequence changes on RNA splicing suggest that this variant is not likely to affect RNA splicing. ClinVar contains an entry for this variant (Variation ID: 2024833). This variant has not been reported in the literature in individuals affected with MAP2K1-related conditions.

Literature cited by the submitters: PubMed 17576681; PubMed 9536098.

NM_002755.4(MAP2K1):c.960+5G>A

Gene: MAP2K1 (mitogen-activated protein kinase kinase 1; plus strand). Cytogenetic location: 15q22.31.
Variant type: single nucleotide variant.
Coding change: c.960+5G>A on transcript NM_002755.4 (MANE Select); 5 bases into the intron after coding-DNA position 960, G replaced by A.
Molecular consequence: intron variant.
Genome position (GRCh38, 1-based): chr15:66,487,297, G>A. VCF-style: chr15-66487297-G-A. GRCh37 (hg19) VCF-style: chr15-66779635-G-A.
Identifiers: ClinVar variation 2024833 (VCV002024833.4), dbSNP rs2545103977, ClinGen allele CA2580089874.